The following is an entry in ClinVar:

NM_001040108.2(MLH3):c.3082G>A (p.Ala1028Thr)

Gene: MLH3 (mutL homolog 3; minus strand). Cytogenetic location: 14q24.3.
Variant type: single nucleotide variant.
Coding change: c.3082G>A on transcript NM_001040108.2 (MANE Select); coding-DNA position 3082, G replaced by A.
Protein change: p.Ala1028Thr; replaces alanine 1028 with threonine.
Molecular consequence: missense variant.
Genome position (GRCh38, 1-based): chr14:75,046,574, C>T on the plus strand (G>A on the coding strand, the complement: MLH3 is on the minus strand). VCF-style: chr14-75046574-C-T. GRCh37 (hg19) VCF-style: chr14-75513277-C-T.
Other names: c.3082G>A, p.Ala1028Thr (NM_014381.3); short protein forms A1028T.
Identifiers: ClinVar variation 4108598 (VCV004108598.1).

ClinVar aggregate classification (germline): Uncertain significance (1 of 4 stars; one submission).

gnomAD v4.1: 6 of 1,614,198 alleles (0.00037%); highest among the groups gnomAD compares: Non-Finnish European, 0.00051%; no homozygotes.

Submission:

Ambry Genetics
Classification: Uncertain significance. Last evaluated: 2025-07-14. Review status: criteria provided, single submitter. Criteria: Ambry Variant Classification Scheme 2023. Collection method: clinical testing. Allele origin: germline.
Comment: The p.A1028T variant (also known as c.3082G>A), located in coding exon 1 of the MLH3 gene, results from a G to A substitution at nucleotide position 3082. The alanine at codon 1028 is replaced by threonine, an amino acid with similar properties. This amino acid position is not well conserved in available vertebrate species. In addition, this alteration is predicted to be tolerated by in silico analysis. The evidence for this gene-disease relationship is limited; therefore, the clinical significance of this alteration is unclear.